The following is an entry in ClinVar:

NM_032578.4(MYPN):c.3647G>A (p.Arg1216Lys)

Gene: MYPN (myopalladin; plus strand). Cytogenetic location: 10q21.3.
Variant type: single nucleotide variant.
Coding change: c.3647G>A on transcript NM_032578.4 (MANE Select); coding-DNA position 3647, G replaced by A.
Protein change: p.Arg1216Lys; replaces arginine 1216 with lysine.
Molecular consequence: missense variant. On other transcripts: non-coding transcript variant (2).
Genome position (GRCh38, 1-based): chr10:68,201,982, G>A. VCF-style: chr10-68201982-G-A. GRCh37 (hg19) VCF-style: chr10-69961739-G-A.
Other names: c.3647G>A, p.Arg1216Lys (NM_001256267.2); c.2765G>A, p.Arg922Lys (NM_001256268.2); short protein forms R922K, R1216K.
Identifiers: ClinVar variation 4614680 (VCV004614680.1).

ClinVar aggregate classification (germline): Uncertain significance (1 of 4 stars; one submission).

Conditions:
Cardiovascular phenotype. Identifiers: MedGen CN230736.

Submission:

Ambry Genetics
Classification: Uncertain significance for Cardiovascular phenotype. Last evaluated: 2025-12-11. Review status: criteria provided, single submitter. Criteria: Ambry Variant Classification Scheme 2023. Collection method: clinical testing. Allele origin: germline.
Comment: The p.R1216K variant (also known as c.3647G>A), located in coding exon 17 of the MYPN gene, results from a G to A substitution at nucleotide position 3647. The arginine at codon 1216 is replaced by lysine, an amino acid with highly similar properties. This amino acid position is conserved. In addition, this alteration is predicted to be tolerated by in silico analysis. Based on the available evidence, the clinical significance of this variant remains unclear.